The following is an entry in ClinVar:

ClinVar aggregate classification (germline): Likely pathogenic (1 of 4 stars; one submission).

Conditions:
Dyskeratosis congenita. Identifiers: Orphanet 1775, MedGen C0265965, MONDO:0015780.

Submission:

Natera, Inc.
Classification: Likely pathogenic for Dyskeratosis congenita. Last evaluated: 2024-07-01. Review status: criteria provided, single submitter. Criteria: Natera Variant Classification Schema (03/2026). Collection method: clinical testing. Allele origin: germline.
Comment: The c.2874_2878del variant in RTEL1 is a frameshift variant predicted to shift the reading frame beginning at codon 958 and leads to a stop codon 6 codons downstream. This variant is expected to result in nonsense mediated decay, truncation, or a dysfunctional protein product. This variant is rare in the general population with a frequency below the threshold expected for the associated phenotype(s). Given the available evidence, this variant is classified as Likely Pathogenic.

NM_001283009.2(RTEL1):c.2802_2806del (p.Cys934fs)

Genes: RTEL1-TNFRSF6B (RTEL1-TNFRSF6B readthrough (NMD candidate); plus strand), RTEL1 (regulator of telomere elongation helicase 1; plus strand). Cytogenetic location: 20q13.33.
Variant type: Deletion.
Coding change: c.2802_2806del on transcript NM_001283009.2 (MANE Select); coding-DNA positions 2802 to 2806, 5 bases deleted (TCTCG; older notation c.2802_2806delTCTCG).
Protein change: p.Cys934fs; shifts the reading frame from cysteine 934.
Molecular consequence: frameshift variant. On other transcripts: non-coding transcript variant (1).
Genome position (GRCh38, 1-based): chr20:63,692,954-63,692,958, TCTCG deleted; deleting any 5 consecutive bases within chr20:63,692,953-63,692,958 gives the same sequence; the c. name uses the placement nearest the transcript's 3' end. VCF-style (leftmost placement, unchanged base first): chr20-63692952-TGTCTC-T. GRCh37 (hg19) VCF-style: chr20-62324305-TGTCTC-T.
Other names: c.2133_2137del, p.Cys711fs (NM_001283010.1); c.2802_2806del, p.Cys934fs (NM_016434.4); c.2874_2878del, p.Cys958fs (NM_032957.5); short protein forms C711fs, C934fs, C958fs.
Identifiers: ClinVar variation 4816350 (VCV004816350.1).